The following is an entry in ClinVar:

NM_001177316.2(SLC34A3):c.926-83G>A

Gene: SLC34A3 (solute carrier family 34 member 3; plus strand). Cytogenetic location: 9q34.3.
Variant type: single nucleotide variant.
Coding change: c.926-83G>A on transcript NM_001177316.2 (MANE Select); 83 bases into the intron before coding-DNA position 926, G replaced by A.
Molecular consequence: intron variant.
Genome position (GRCh38, 1-based): chr9:137,234,026, G>A. VCF-style: chr9-137234026-G-A. GRCh37 (hg19) VCF-style: chr9-140128478-G-A.
Other names: c.926-83G>A (NM_080877.2, NM_001177317.2, NM_080877.3).
Identifiers: ClinVar variation 1897000 (VCV001897000.7), dbSNP rs543029208, ClinGen allele CA5364679.

ClinVar aggregate classification (germline): Benign. Review status: criteria provided, single submitter (1 of 4 stars). 2 submissions from 2 submitters: Benign (1). 1 of the submissions does not count toward it. Last evaluated 2025-12-28.

Conditions:
SLC34A3-related disorder. Also called: SLC34A3-related condition.

Allele frequency attached by ClinVar (database versions not stated): TOPMed 0.00029; 1000 Genomes Project 30x 0.00078; 1000 Genomes Project 0.00100.

Submissions (2):

Labcorp Genetics (formerly Invitae), Labcorp
Classification: Benign. Last evaluated: 2025-12-28. Review status: criteria provided, single submitter. Criteria: Invitae Variant Classification Sherloc (09022015). Collection method: clinical testing. Allele origin: germline.

PreventionGenetics, part of Exact Sciences
Classification: Likely benign for SLC34A3-related condition. Last evaluated: 2019-03-01. Review status: no assertion criteria provided. Collection method: clinical testing. Allele origin: germline. Not counted in ClinVar's aggregate classification.
Comment: This variant is classified as likely benign based on ACMG/AMP sequence variant interpretation guidelines (Richards et al. 2015 PMID: 25741868, with internal and published modifications).